The following is an entry in ClinVar:

NM_000169.3(GLA):c.388A>G (p.Lys130Glu)

Genes: GLA (galactosidase alpha; minus strand), RPL36A-HNRNPH2 (RPL36A-HNRNPH2 readthrough; plus strand). Cytogenetic location: Xq22.1.
Variant type: single nucleotide variant.
Coding change: c.388A>G on transcript NM_000169.3 (MANE Select); coding-DNA position 388, A replaced by G.
Protein change: p.Lys130Glu; replaces lysine 130 with glutamic acid.
Molecular consequence: missense variant. On other transcripts: non-coding transcript variant (3), intron variant (2).
Genome position (GRCh38, 1-based): chrX:101,401,791, T>C on the plus strand (A>G on the coding strand, the complement: GLA is on the minus strand). VCF-style: chrX-101401791-T-C. GRCh37 (hg19) VCF-style: chrX-100656779-T-C.
Other names: c.511A>G, p.Lys171Glu (NM_001406747.1, NM_001406749.1); c.388A>G, p.Lys130Glu (NM_001406748.1); c.300+6334T>C (NM_001199973.2); c.177+9969T>C (NM_001199974.2); short protein forms K130E, K171E.
Identifiers: ClinVar variation 4087352 (VCV004087352.2).

ClinVar aggregate classification (germline): Uncertain significance (1 of 4 stars; one submission).

Conditions:
Fabry disease. Also called: ALPHA-GALACTOSIDASE A DEFICIENCY; ANDERSON-FABRY DISEASE; CERAMIDE TRIHEXOSIDASE DEFICIENCY; GLA DEFICIENCY; HEREDITARY DYSTOPIC LIPIDOSIS; Angiokeratoma corporis diffusum. Identifiers: Orphanet 324, MedGen C0002986, MONDO:0010526, OMIM 301500, HP:0001071. Disease mechanism: Fabry disease is due to inactivating mutations in the X-linked GLA gene resulting in deficiency of the enzyme Alpha Galactosidase-A., loss of function.

Submission:

Genomenon, Inc
Classification: Uncertain significance for Fabry disease. Last evaluated: 2026-09-08. Review status: criteria provided, single submitter. Criteria: Genomenon Sequence Variant Interpretation Standards - Updated. Collection method: curation. Allele origin: germline. Affected: yes.
Comment: GLA p.Lys130Glu (c.388A>G) is a missense variant that changes the amino acid at codon 130 from Lysine to Glutamic acid. This variant has been observed in at least one proband with clinical features consistent with Fabry disease (PMID:33283995). The variant was found to segregate with disease in at least one affected family (PMID:33283995). Functional or patient cell studies have been reported (PMID:33915609;36879801;33283995). It is absent or not present at a significant frequency in gnomAD. In silico models predict that this variant is possibly or probably damaging. In conclusion, we classify GLA p.Lys130Glu (c.388A>G) as a variant of uncertain significance.

Literature cited by the submitters: PubMed 33283995; PubMed 33915609; PubMed 36879801.